The following is an entry in ClinVar:

ClinVar aggregate classification (germline): Uncertain significance (1 of 4 stars; one submission).

Conditions:
Inborn genetic diseases. Identifiers: MedGen C0950123, MeSH D030342.

Submission:

Ambry Genetics
Classification: Uncertain significance for Inborn genetic diseases. Last evaluated: 2025-10-28. Review status: criteria provided, single submitter. Criteria: Ambry Variant Classification Scheme 2023. Collection method: clinical testing. Allele origin: germline.
Comment: The p.V49A variant (also known as c.146T>C), located in coding exon 2 of the USB1 gene, results from a T to C substitution at nucleotide position 146. The valine at codon 49 is replaced by alanine, an amino acid with similar properties. This amino acid position is conserved. In addition, this alteration is predicted to be tolerated by in silico analysis. Based on the available evidence, the clinical significance of this variant remains unclear.

NM_024598.4(USB1):c.146T>C (p.Val49Ala)

Gene: USB1 (U6 snRNA biogenesis phosphodiesterase 1; plus strand). Cytogenetic location: 16q21.
Variant type: single nucleotide variant.
Coding change: c.146T>C on transcript NM_024598.4 (MANE Select); coding-DNA position 146, T replaced by C.
Protein change: p.Val49Ala; replaces valine 49 with alanine.
Molecular consequence: missense variant. On other transcripts: 5 prime UTR variant (1).
Genome position (GRCh38, 1-based): chr16:58,002,526, T>C. VCF-style: chr16-58002526-T-C. GRCh37 (hg19) VCF-style: chr16-58036430-T-C.
Other names: c.146T>C, p.Val49Ala (NM_001195302.2, NM_001204911.2, NM_001330569.2); c.-8T>C (NM_001330568.2); short protein forms V49A.
Identifiers: ClinVar variation 4634199 (VCV004634199.1).
Genomic context (GRCh38, chr16:58,002,526, plus strand): 5'-TTTTCTTTTGCAGTGGCCAGAGCCCCCTTCCCAGGCAGAGATTTCCAGTACCTGACAGTG[T>C]GCTGAACATGTTCCCGGGCACCGAGGAGGGGCCTGAAGATGACAGCACAAAACACGGGGG-3'
Protein context (NP_078874.2, residues 39-59): PRQRFPVPDS[Val49Ala]LNMFPGTEEG